The following is an entry in ClinVar:

NM_000426.4(LAMA2):c.790A>G (p.Arg264Gly)

Gene: LAMA2 (laminin subunit alpha 2; plus strand). Cytogenetic location: 6q22.33.
Variant type: single nucleotide variant.
Coding change: c.790A>G on transcript NM_000426.4 (MANE Select); coding-DNA position 790, A replaced by G.
Protein change: p.Arg264Gly; replaces arginine 264 with glycine.
Molecular consequence: missense variant.
Genome position (GRCh38, 1-based): chr6:129,144,051, A>G. VCF-style: chr6-129144051-A-G. GRCh37 (hg19) VCF-style: chr6-129465196-A-G.
Other names: c.790A>G, p.Arg264Gly (NM_001079823.2); short protein forms R264G.
Identifiers: ClinVar variation 3768440 (VCV003768440.1).

ClinVar aggregate classification (germline): Uncertain significance (1 of 4 stars; one submission).

gnomAD v4.1: 2 of 1,612,532 alleles (0.00012%); highest among the groups gnomAD compares: Non-Finnish European, 0.000085%; no homozygotes.

Submission:

Women's Health and Genetics/Laboratory Corporation of America, LabCorp
Classification: Uncertain significance. Last evaluated: 2024-12-24. Review status: criteria provided, single submitter. Criteria: LabCorp Variant Classification Summary - May 2015. Collection method: clinical testing. Allele origin: germline.
Comment: Variant summary: LAMA2 c.790A>G (p.Arg264Gly) results in a non-conservative amino acid change located in the Laminin N-terminal domain (IPR008211) of the encoded protein sequence. Three of five in-silico tools predict a benign effect of the variant on protein function. The variant was absent in 250570 control chromosomes. The available data on variant occurrences in the general population are insufficient to allow any conclusion about variant significance. To our knowledge, no occurrence of c.790A>G in individuals affected with Merosin deficient congenital muscular dystrophy and no experimental evidence demonstrating its impact on protein function have been reported. No submitters have cited clinical-significance assessments for this variant to ClinVar. Based on the evidence outlined above, the variant was classified as uncertain significance.